The following is an entry in ClinVar:

ClinVar aggregate classification (germline): Likely benign (1 of 4 stars; one submission).

Conditions:
MC4R-related disorder. Also called: MC4R-related condition.

gnomAD v4.1: 104 of 1,614,014 alleles (0.0064%); highest among the groups gnomAD compares: Non-Finnish European, 0.0082%; no homozygotes.

Submission:

PreventionGenetics, part of Exact Sciences
Classification: Likely benign for MC4R-related condition. Last evaluated: 2025-04-23. Review status: criteria provided, single submitter. Criteria: ACMG Guidelines, 2015. Collection method: clinical testing. Allele origin: germline.
Comment: This variant is classified as likely benign based on ACMG/AMP sequence variant interpretation guidelines (Richards et al. 2015 PMID: 25741868, with internal and published modifications).

NM_005912.3(MC4R):c.282C>T (p.Ser94=)

Gene: MC4R (melanocortin 4 receptor; minus strand). Cytogenetic location: 18q21.32.
Variant type: single nucleotide variant.
Coding change: c.282C>T on transcript NM_005912.3 (MANE Select); coding-DNA position 282, C replaced by T.
Protein change: p.Ser94=; no amino-acid change (serine 94 retained).
Molecular consequence: synonymous variant.
Genome position (GRCh38, 1-based): chr18:60,372,068, G>A on the plus strand (C>T on the coding strand, the complement: MC4R is on the minus strand). VCF-style: chr18-60372068-G-A. GRCh37 (hg19) VCF-style: chr18-58039301-G-A.
Identifiers: ClinVar variation 4989143 (VCV004989143.1).